The following is an entry in ClinVar:

NM_002160.4(TNC):c.3352C>T (p.Arg1118Trp)

Gene: TNC (tenascin C; minus strand). Cytogenetic location: 9q33.1.
Variant type: single nucleotide variant.
Coding change: c.3352C>T on transcript NM_002160.4 (MANE Select); coding-DNA position 3352, C replaced by T.
Protein change: p.Arg1118Trp; replaces arginine 1118 with tryptophan.
Molecular consequence: missense variant.
Genome position (GRCh38, 1-based): chr9:115,064,782, G>A on the plus strand (C>T on the coding strand, the complement: TNC is on the minus strand). VCF-style: chr9-115064782-G-A. GRCh37 (hg19) VCF-style: chr9-117827061-G-A.
Other names: c.3352C>T (NM_002160.3); c.3352C>T, p.Arg1118Trp (NM_001410991.1); short protein forms R1118W.
Identifiers: ClinVar variation 2659456 (VCV002659456.26), dbSNP rs148058884, ClinGen allele CA5208251.

ClinVar aggregate classification (germline): Benign/Likely benign. Review status: criteria provided, multiple submitters, no conflicts (2 of 4 stars). 3 submissions from 3 submitters: Benign (1); Likely benign (2). Last evaluated 2025-06-03.

Conditions:
TNC-related disorder. Also called: TNC-related condition.

Allele frequency attached by ClinVar (database versions not stated): ESP Exome Variant Server 0.00015; 1000 Genomes Project 0.00040; 1000 Genomes Project 30x 0.00047.
gnomAD v4.1: 399 of 1,614,108 alleles (0.025%); highest among the groups gnomAD compares: Middle Eastern, 0.13%; 2 homozygotes.

Submissions (3):

PreventionGenetics, part of Exact Sciences
Classification: Likely benign for TNC-related condition. Last evaluated: 2025-06-03. Review status: criteria provided, single submitter. Criteria: ACMG Guidelines, 2015. Collection method: clinical testing. Allele origin: germline.
Comment: This variant is classified as likely benign based on ACMG/AMP sequence variant interpretation guidelines (Richards et al. 2015 PMID: 25741868, with internal and published modifications).

Blueprint Genetics
Classification: Likely benign. Last evaluated: 2024-11-27. Review status: criteria provided, single submitter. Criteria: ACMG Guidelines, 2015. Collection method: clinical testing. Allele origin: germline.

CeGaT Center for Human Genetics Tuebingen
Classification: Benign. Last evaluated: 2022-03-01. Review status: criteria provided, single submitter. Criteria: CeGaT Center For Human Genetics Tuebingen Variant Classification Criteria Version 2. Collection method: clinical testing. Allele origin: germline. Affected: yes. Observed: 1 variant allele.
Comment: TNC: BS1, BS2